The following is an entry in ClinVar:

ClinVar aggregate classification (germline): Uncertain significance (1 of 4 stars; one submission).

gnomAD v4.1: 4 of 1,613,208 alleles (0.00025%); highest among the groups gnomAD compares: African/African-American, 0.0053%; no homozygotes.

Submission:

Labcorp Genetics (formerly Invitae), Labcorp
Classification: Uncertain significance. Last evaluated: 2025-03-23. Review status: criteria provided, single submitter. Criteria: Invitae Variant Classification Sherloc (09022015). Collection method: clinical testing. Allele origin: germline.
Comment: This sequence change replaces leucine, which is neutral and non-polar, with valine, which is neutral and non-polar, at codon 137 of the DSG1 protein (p.Leu137Val). This variant is present in population databases (rs368051982, gnomAD 0.007%). This variant has not been reported in the literature in individuals affected with DSG1-related conditions. Invitae Evidence Modeling of protein sequence and biophysical properties (such as structural, functional, and spatial information, amino acid conservation, physicochemical variation, residue mobility, and thermodynamic stability) indicates that this missense variant is not expected to disrupt DSG1 protein function with a negative predictive value of 80%. In summary, the available evidence is currently insufficient to determine the role of this variant in disease. Therefore, it has been classified as a Variant of Uncertain Significance.

NM_001942.4(DSG1):c.409T>G (p.Leu137Val)

Gene: DSG1 (desmoglein 1; plus strand). Cytogenetic location: 18q12.1.
Variant type: single nucleotide variant.
Coding change: c.409T>G on transcript NM_001942.4 (MANE Select); coding-DNA position 409, T replaced by G.
Protein change: p.Leu137Val; replaces leucine 137 with valine.
Molecular consequence: missense variant.
Genome position (GRCh38, 1-based): chr18:31,329,928, T>G. VCF-style: chr18-31329928-T-G. GRCh37 (hg19) VCF-style: chr18-28909891-T-G.
Other names: short protein forms L137V.
Identifiers: ClinVar variation 4702125 (VCV004702125.1).